The following is an entry in ClinVar:

NM_004453.4(ETFDH):c.1210A>G (p.Met404Val)

Gene: ETFDH (electron transfer flavoprotein dehydrogenase; plus strand). Cytogenetic location: 4q32.1.
Variant type: single nucleotide variant.
Coding change: c.1210A>G on transcript NM_004453.4 (MANE Select); coding-DNA position 1210, A replaced by G.
Protein change: p.Met404Val; replaces methionine 404 with valine.
Molecular consequence: missense variant.
Genome position (GRCh38, 1-based): chr4:158,703,516, A>G. VCF-style: chr4-158703516-A-G. GRCh37 (hg19) VCF-style: chr4-159624668-A-G.
Other names: c.1069A>G, p.Met357Val (NM_001281737.2); c.1027A>G, p.Met343Val (NM_001281738.1); short protein forms M343V, M357V, M404V.
Identifiers: ClinVar variation 3336380 (VCV003336380.1).

ClinVar aggregate classification (germline): Uncertain significance (1 of 4 stars; one submission).

Submission:

Women's Health and Genetics/Laboratory Corporation of America, LabCorp
Classification: Uncertain significance. Last evaluated: 2024-05-24. Review status: criteria provided, single submitter. Criteria: LabCorp Variant Classification Summary - May 2015. Collection method: clinical testing. Allele origin: germline.
Comment: Variant summary: ETFDH c.1210A>G (p.Met404Val) results in a conservative amino acid change in the encoded protein sequence. Three of five in-silico tools predict a damaging effect of the variant on protein function. The variant was absent in 251270 control chromosomes. The available data on variant occurrences in the general population are insufficient to allow any conclusion about variant significance. To our knowledge, no occurrence of c.1210A>G in individuals affected with Glutaric Aciduria, Type 2c and no experimental evidence demonstrating its impact on protein function have been reported. No submitters have cited clinical-significance assessments for this variant to ClinVar. Based on the evidence outlined above, the variant was classified as uncertain significance.